The following is an entry in ClinVar:

NM_002693.3(POLG):c.1765C>T (p.Pro589Ser)

Gene: POLG (DNA polymerase gamma, catalytic subunit; minus strand). Cytogenetic location: 15q26.1.
Variant type: single nucleotide variant.
Coding change: c.1765C>T on transcript NM_002693.3 (MANE Select); coding-DNA position 1765, C replaced by T.
Protein change: p.Pro589Ser; replaces proline 589 with serine.
Molecular consequence: missense variant.
Genome position (GRCh38, 1-based): chr15:89,325,634, G>A on the plus strand (C>T on the coding strand, the complement: POLG is on the minus strand). VCF-style: chr15-89325634-G-A. GRCh37 (hg19) VCF-style: chr15-89868865-G-A.
Other names: c.1765C>T, p.Pro589Ser (NM_001126131.2); short protein forms P589S.
Identifiers: ClinVar variation 3308460 (VCV003308460.2).

ClinVar aggregate classification (germline): Uncertain significance. Review status: criteria provided, multiple submitters, no conflicts (2 of 4 stars). 2 submissions from 2 submitters: Uncertain significance (2). Last evaluated 2025-07-30.

Conditions:
Inborn genetic diseases. Identifiers: MedGen C0950123, MeSH D030342.
Progressive sclerosing poliodystrophy (MTDPS4A). Also called: Mitochondrial DNA Depletion Syndrome 4A; ALPERS PROGRESSIVE INFANTILE POLIODYSTROPHY; NEURONAL DEGENERATION OF CHILDHOOD WITH LIVER DISEASE, PROGRESSIVE; Alpers Syndrome; ALPERS DIFFUSE DEGENERATION OF CEREBRAL GRAY MATTER WITH HEPATIC CIRRHOSIS; Alpers-Huttenlocher Syndrome. Identifiers: Orphanet 726, MedGen C0205710, MONDO:0008758, OMIM 203700.

Submissions (2):

Labcorp Genetics (formerly Invitae), Labcorp
Classification: Uncertain significance for Progressive sclerosing poliodystrophy. Last evaluated: 2025-07-30. Review status: criteria provided, single submitter. Criteria: Invitae Variant Classification Sherloc (09022015). Collection method: clinical testing. Allele origin: germline.
Comment: This sequence change replaces proline, which is neutral and non-polar, with serine, which is neutral and polar, at codon 589 of the POLG protein (p.Pro589Ser). This variant is present in population databases (no rsID available, gnomAD 0.005%). This variant has not been reported in the literature in individuals affected with POLG-related conditions. ClinVar contains an entry for this variant (Variation ID: 3308460). Invitae Evidence Modeling of protein sequence and biophysical properties (such as structural, functional, and spatial information, amino acid conservation, physicochemical variation, residue mobility, and thermodynamic stability) indicates that this missense variant is expected to disrupt POLG protein function with a positive predictive value of 95%. In summary, the available evidence is currently insufficient to determine the role of this variant in disease. Therefore, it has been classified as a Variant of Uncertain Significance.

Ambry Genetics
Classification: Uncertain significance for Inborn genetic diseases. Last evaluated: 2024-04-09. Review status: criteria provided, single submitter. Criteria: Ambry Variant Classification Scheme 2023. Collection method: clinical testing. Allele origin: germline.